The following is an entry in ClinVar:

ClinVar aggregate classification (germline): Uncertain significance (1 of 4 stars; one submission).

Allele frequency attached by ClinVar (database versions not stated): TOPMed below 0.00001; gnomAD 0.00001; gnomAD exomes 0.00001 and 0.00002.

Submission:

Labcorp Genetics (formerly Invitae), Labcorp
Classification: Uncertain significance. Last evaluated: 2022-07-08. Review status: criteria provided, single submitter. Criteria: Invitae Variant Classification Sherloc (09022015). Collection method: clinical testing. Allele origin: germline.
Comment: ClinVar contains an entry for this variant (Variation ID: 1412401). This sequence change replaces serine, which is neutral and polar, with glycine, which is neutral and non-polar, at codon 343 of the PITPNM3 protein (p.Ser343Gly). This variant is present in population databases (no rsID available, gnomAD 0.002%). This variant has not been reported in the literature in individuals affected with PITPNM3-related conditions. Algorithms developed to predict the effect of missense changes on protein structure and function are either unavailable or do not agree on the potential impact of this missense change (SIFT: "Tolerated"; PolyPhen-2: "Probably Damaging"; Align-GVGD: "Class C0"). In summary, the available evidence is currently insufficient to determine the role of this variant in disease. Therefore, it has been classified as a Variant of Uncertain Significance.

NM_031220.4(PITPNM3):c.1027A>G (p.Ser343Gly)

Gene: PITPNM3 (PITPNM family member 3; minus strand). Cytogenetic location: 17p13.2.
Variant type: single nucleotide variant.
Coding change: c.1027A>G on transcript NM_031220.4 (MANE Select); coding-DNA position 1027, A replaced by G.
Protein change: p.Ser343Gly; replaces serine 343 with glycine.
Molecular consequence: missense variant.
Genome position (GRCh38, 1-based): chr17:6,477,087, T>C on the plus strand (A>G on the coding strand, the complement: PITPNM3 is on the minus strand). VCF-style: chr17-6477087-T-C. GRCh37 (hg19) VCF-style: chr17-6380407-T-C.
Other names: c.919A>G, p.Ser307Gly (NM_001165966.2); short protein forms S307G, S343G.
Identifiers: ClinVar variation 1412401 (VCV001412401.8), dbSNP rs926853320, ClinGen allele CA287319542.